The following is an entry in ClinVar:

NM_001004439.2(ITGA11):c.2504G>A (p.Arg835His)

Gene: ITGA11 (integrin subunit alpha 11; minus strand). Cytogenetic location: 15q23.
Variant type: single nucleotide variant.
Coding change: c.2504G>A on transcript NM_001004439.2 (MANE Select); coding-DNA position 2504, G replaced by A.
Protein change: p.Arg835His; replaces arginine 835 with histidine.
Molecular consequence: missense variant.
Genome position (GRCh38, 1-based): chr15:68,320,297, C>T on the plus strand (G>A on the coding strand, the complement: ITGA11 is on the minus strand). VCF-style: chr15-68320297-C-T. GRCh37 (hg19) VCF-style: chr15-68612635-C-T.
Other names: short protein forms R835H.
Identifiers: ClinVar variation 4679823 (VCV004679823.1).

ClinVar aggregate classification (germline): Uncertain significance (1 of 4 stars; one submission).

gnomAD v4.1: 24 of 1,613,980 alleles (0.0015%); highest among the groups gnomAD compares: Middle Eastern, 0.016%; no homozygotes.

Submission:

Ambry Genetics
Classification: Uncertain significance. Last evaluated: 2025-09-27. Review status: criteria provided, single submitter. Criteria: Ambry Variant Classification Scheme 2023. Collection method: clinical testing. Allele origin: germline.
Comment: The c.2504G>A (p.R835H) alteration is located in exon 20 (coding exon 20) of the ITGA11 gene. This alteration results from a G to A substitution at nucleotide position 2504, causing the arginine (R) at amino acid position 835 to be replaced by a histidine (H). Based on data from gnomAD, the A allele has an overall frequency of 0.002% (6/280360) total alleles studied. The highest observed frequency was 0.007% (2/30582) of South Asian alleles. Based on insufficient or conflicting evidence, the clinical significance of this alteration remains unclear.